The following is an entry in ClinVar:

ClinVar aggregate classification (germline): Uncertain significance (1 of 4 stars; one submission).

Conditions:
MED13-related disorder. Also called: MED13-related condition.

Submission:

PreventionGenetics, part of Exact Sciences
Classification: Uncertain significance for MED13-related condition. Last evaluated: 2026-04-23. Review status: criteria provided, single submitter. Criteria: ACMG Guidelines, 2015. Collection method: clinical testing. Allele origin: germline.
Comment: The MED13 c.2662T>C variant is predicted to result in the amino acid substitution p.Phe888Leu. To our knowledge, this variant has not been reported in the literature. This variant is reported in 1 of ~249,000 alleles in gnomAD. At this time, the clinical significance of this variant is uncertain due to the absence of conclusive functional and genetic evidence.

NM_005121.3(MED13):c.2662T>C (p.Phe888Leu)

Gene: MED13 (mediator complex subunit 13; minus strand). Cytogenetic location: 17q23.2.
Variant type: single nucleotide variant.
Coding change: c.2662T>C on transcript NM_005121.3 (MANE Select); coding-DNA position 2662, T replaced by C.
Protein change: p.Phe888Leu; replaces phenylalanine 888 with leucine.
Molecular consequence: missense variant.
Genome position (GRCh38, 1-based): chr17:61,984,680, A>G on the plus strand (T>C on the coding strand, the complement: MED13 is on the minus strand). VCF-style: chr17-61984680-A-G. GRCh37 (hg19) VCF-style: chr17-60062041-A-G.
Other names: short protein forms F888L.
Identifiers: ClinVar variation 4981305 (VCV004981305.1).
Genomic context (GRCh38, chr17:61,984,680, plus strand): 5'-TGAATTATTTTTCTAGAAAAAACATACTTACTTTAATTTCAGAAGGTTTGGGGCTACAGA[A>G]TCCCTCATCAACCTCAATTTTGAACTGCGCTCCTATACTAGAACTATTTCCTTCTAGAAC-3'
Protein context (NP_005112.2, residues 878-898): AQFKIEVDEG[Phe888Leu]CSPKPSEIKD